The following is an entry in ClinVar:

NM_018129.4(PNPO):c.242T>A (p.Met81Lys)

Gene: PNPO (pyridoxamine 5'-phosphate oxidase; plus strand). Cytogenetic location: 17q21.32.
Variant type: single nucleotide variant.
Coding change: c.242T>A on transcript NM_018129.4 (MANE Select); coding-DNA position 242, T replaced by A.
Protein change: p.Met81Lys; replaces methionine 81 with lysine.
Molecular consequence: missense variant.
Genome position (GRCh38, 1-based): chr17:47,943,409, T>A. VCF-style: chr17-47943409-T-A. GRCh37 (hg19) VCF-style: chr17-46020775-T-A.
Other names: short protein forms M81K.
Identifiers: ClinVar variation 2009376 (VCV002009376.4), dbSNP rs2509290364, ClinGen allele CA400056480.
Genomic context (GRCh38, chr17:47,943,409, plus strand): 5'-AGTTTGCTGCCTGGTTTGAGGAGGCTGTTCAGTGTCCTGACATAGGGGAAGCCAATGCCA[T>A]GTGTCTGGCTACCTGCACCAGGTGGGCATGGCTGTGGGCCCCTCTTTGGGTGGATACATA-3'
Protein context (NP_060599.1, residues 71-91): QCPDIGEANA[Met81Lys]CLATCTRDGK

ClinVar aggregate classification (germline): Uncertain significance (1 of 4 stars; one submission).

Conditions:
Pyridoxal phosphate-responsive seizures (PNPOD). Also called: Pyridoxamine 5-Prime-Phosphate Oxidase Deficiency; Pyridoxine-5'-phosphate oxidase deficiency; EPILEPTIC ENCEPHALOPATHY, NEONATAL, PNPO-RELATED; SEIZURES, PYRIDOXINE-RESISTANT, PLP-SENSITIVE; Pyridoxal 5'-Phosphate (PLP)-Dependent Epilepsy. Identifiers: Orphanet 79096, MedGen C1864723, MONDO:0012407, OMIM 610090. Disease mechanism: loss of function.

Submission:

Labcorp Genetics (formerly Invitae), Labcorp
Classification: Uncertain significance for Pyridoxal phosphate-responsive seizures. Last evaluated: 2022-10-17. Review status: criteria provided, single submitter. Criteria: Invitae Variant Classification Sherloc (09022015). Collection method: clinical testing. Allele origin: germline.
Comment: In summary, the available evidence is currently insufficient to determine the role of this variant in disease. Therefore, it has been classified as a Variant of Uncertain Significance. Advanced modeling of protein sequence and biophysical properties (such as structural, functional, and spatial information, amino acid conservation, physicochemical variation, residue mobility, and thermodynamic stability) performed at Invitae indicates that this missense variant is expected to disrupt PNPO protein function. This variant has not been reported in the literature in individuals affected with PNPO-related conditions. This variant is not present in population databases (gnomAD no frequency). This sequence change replaces methionine, which is neutral and non-polar, with lysine, which is basic and polar, at codon 81 of the PNPO protein (p.Met81Lys).